The following is an entry in ClinVar:

ClinVar aggregate classification (germline): Uncertain significance. Review status: criteria provided, multiple submitters, no conflicts (2 of 4 stars). 2 submissions from 2 submitters: Uncertain significance (2). Last evaluated 2025-04-09.

Conditions:
Deafness-lymphedema-leukemia syndrome. Also called: Lymphedema, primary, with myelodysplasia; Emberger syndrome. Identifiers: Orphanet 3226, MedGen C3279664, MONDO:0013540, OMIM 614038.
Monocytopenia with susceptibility to infections. Also called: MONOCYTOPENIA AND MYCOBACTERIAL INFECTION SYNDROME; MONOCYTOPENIA WITH SUSCEPTIBILITY TO MYCOBACTERIAL, FUNGAL, AND PAPILLOMAVIRUS INFECTIONS AND MYELODYSPLASIA; COMBINED IMMUNODEFICIENCY WITH SUSCEPTIBILITY TO MYCOBACTERIAL, VIRAL, AND FUNGAL INFECTIONS; Dendritic cell, monocyte, B lymphocyte, and natural killer lymphocyte deficiency; IMMUNODEFICIENCY 21; GATA2 DEFICIENCY. Identifiers: Orphanet 228423, MedGen C3280030, MONDO:0013607, OMIM 614172.
Inborn genetic diseases. Identifiers: MedGen C0950123, MeSH D030342.

Submissions (2):

Ambry Genetics
Classification: Uncertain significance for Inborn genetic diseases. Last evaluated: 2025-04-09. Review status: criteria provided, single submitter. Criteria: Ambry Variant Classification Scheme 2023. Collection method: clinical testing. Allele origin: germline.
Comment: The p.A109E variant (also known as c.326C>A), located in coding exon 2 of the GATA2 gene, results from a C to A substitution at nucleotide position 326. The alanine at codon 109 is replaced by glutamic acid, an amino acid with dissimilar properties. This amino acid position is conserved. In addition, the in silico prediction for this alteration is inconclusive. Based on the available evidence, the clinical significance of this variant remains unclear.

Labcorp Genetics (formerly Invitae), Labcorp
Classification: Uncertain significance for Monocytopenia with susceptibility to infections; Deafness-lymphedema-leukemia syndrome. Last evaluated: 2024-10-08. Review status: criteria provided, single submitter. Criteria: Invitae Variant Classification Sherloc (09022015). Collection method: clinical testing. Allele origin: germline.
Comment: This sequence change replaces alanine, which is neutral and non-polar, with glutamic acid, which is acidic and polar, at codon 109 of the GATA2 protein (p.Ala109Glu). This variant is not present in population databases (gnomAD no frequency). This variant has not been reported in the literature in individuals affected with GATA2-related conditions. ClinVar contains an entry for this variant (Variation ID: 1983963). Invitae Evidence Modeling of protein sequence and biophysical properties (such as structural, functional, and spatial information, amino acid conservation, physicochemical variation, residue mobility, and thermodynamic stability) indicates that this missense variant is not expected to disrupt GATA2 protein function with a negative predictive value of 95%. In summary, the available evidence is currently insufficient to determine the role of this variant in disease. Therefore, it has been classified as a Variant of Uncertain Significance.

NM_032638.5(GATA2):c.326C>A (p.Ala109Glu)

Gene: GATA2 (GATA binding protein 2; minus strand). Cytogenetic location: 3q21.3.
Variant type: single nucleotide variant.
Coding change: c.326C>A on transcript NM_032638.5 (MANE Select); coding-DNA position 326, C replaced by A.
Protein change: p.Ala109Glu; replaces alanine 109 with glutamic acid.
Molecular consequence: missense variant.
Genome position (GRCh38, 1-based): chr3:128,486,272, G>T on the plus strand (C>A on the coding strand, the complement: GATA2 is on the minus strand). VCF-style: chr3-128486272-G-T. GRCh37 (hg19) VCF-style: chr3-128205115-G-T.
Other names: c.326C>A, p.Ala109Glu (NM_001145661.2, NM_001145662.1); short protein forms A109E.
Identifiers: ClinVar variation 1983963 (VCV001983963.5), dbSNP rs1271751829, ClinGen allele CA354407325.